The following is an entry in ClinVar:

NM_001384900.1(SEMA3D):c.1500C>G (p.Phe500Leu)

Gene: SEMA3D (semaphorin 3D; minus strand). Cytogenetic location: 7q21.11.
Variant type: single nucleotide variant.
Coding change: c.1500C>G on transcript NM_001384900.1 (MANE Select); coding-DNA position 1500, C replaced by G.
Protein change: p.Phe500Leu; replaces phenylalanine 500 with leucine.
Molecular consequence: missense variant.
Genome position (GRCh38, 1-based): chr7:85,020,236, G>C on the plus strand (C>G on the coding strand, the complement: SEMA3D is on the minus strand). VCF-style: chr7-85020236-G-C. GRCh37 (hg19) VCF-style: chr7-84649552-G-C.
Other names: c.1500C>G, p.Phe500Leu (NM_001384901.1, NM_001384902.1, NM_001384903.1 and 1 more transcripts); short protein forms F500L.
Identifiers: ClinVar variation 3355689 (VCV003355689.1).

ClinVar aggregate classification (germline): Uncertain significance (0 of 4 stars; one submission).

Conditions:
SEMA3D-related disorder. Also called: SEMA3D-related condition.

gnomAD v4.1: 55 of 1,603,604 alleles (0.0034%); highest among the groups gnomAD compares: Non-Finnish European, 0.0045%; no homozygotes.

Submission:

PreventionGenetics, part of Exact Sciences
Classification: Uncertain significance for SEMA3D-related condition. Last evaluated: 2023-11-23. Review status: no assertion criteria provided. Collection method: clinical testing. Allele origin: germline.
Comment: The SEMA3D c.1500C>G variant is predicted to result in the amino acid substitution p.Phe500Leu. To our knowledge, this variant has not been reported in the literature. This variant is reported in 0.0055% of alleles in individuals of European (Non-Finnish) descent in gnomAD. At this time, the clinical significance of this variant is uncertain due to the absence of conclusive functional and genetic evidence.